The following is an entry in ClinVar:

ClinVar aggregate classification (germline): Uncertain significance (1 of 4 stars; one submission).

Conditions:
Hypoplastic left heart syndrome. Also called: Hypoplastic left ventricle; Hypoplastic left heart. Identifiers: Orphanet 2248, MedGen C0152101, MONDO:0004933, HP:0004383.

Allele frequency attached by ClinVar (database versions not stated): ExAC 0.00001; gnomAD 0.00001; gnomAD exomes 0.00001 and 0.00003; TOPMed 0.00002.
gnomAD v4.1: 44 of 1,608,510 alleles (0.0027%); highest among the groups gnomAD compares: Non-Finnish European, 0.0036%; no homozygotes.

Submission:

Labcorp Genetics (formerly Invitae), Labcorp
Classification: Uncertain significance for Hypoplastic left heart syndrome. Last evaluated: 2024-10-15. Review status: criteria provided, single submitter. Criteria: Invitae Variant Classification Sherloc (09022015). Collection method: clinical testing. Allele origin: germline.
Comment: This sequence change replaces proline, which is neutral and non-polar, with leucine, which is neutral and non-polar, at codon 82 of the HAND1 protein (p.Pro82Leu). This variant is present in population databases (rs772538065, gnomAD 0.003%). This variant has not been reported in the literature in individuals affected with HAND1-related conditions. ClinVar contains an entry for this variant (Variation ID: 1372110). An algorithm developed to predict the effect of missense changes on protein structure and function (PolyPhen-2) suggests that this variant is likely to be tolerated. In summary, the available evidence is currently insufficient to determine the role of this variant in disease. Therefore, it has been classified as a Variant of Uncertain Significance.

NM_004821.3(HAND1):c.245C>T (p.Pro82Leu)

Gene: HAND1 (heart and neural crest derivatives expressed 1; minus strand). Cytogenetic location: 5q33.2.
Variant type: single nucleotide variant.
Coding change: c.245C>T on transcript NM_004821.3 (MANE Select); coding-DNA position 245, C replaced by T.
Protein change: p.Pro82Leu; replaces proline 82 with leucine.
Molecular consequence: missense variant.
Genome position (GRCh38, 1-based): chr5:154,477,764, G>A on the plus strand (C>T on the coding strand, the complement: HAND1 is on the minus strand). VCF-style: chr5-154477764-G-A. GRCh37 (hg19) VCF-style: chr5-153857324-G-A.
Other names: short protein forms P82L.
Identifiers: ClinVar variation 1372110 (VCV001372110.6), dbSNP rs772538065, ClinGen allele CA3526594.